The following is an entry in ClinVar:

NM_001378615.1(CC2D2A):c.2641G>C (p.Glu881Gln)

Genes: CC2D2A (coiled-coil and C2 domain containing 2A; plus strand), FBXL5 (F-box and leucine rich repeat protein 5; minus strand). Cytogenetic location: 4p15.32.
Variant type: single nucleotide variant.
Coding change: c.2641G>C on transcript NM_001378615.1 (MANE Select); coding-DNA position 2641, G replaced by C.
Protein change: p.Glu881Gln; replaces glutamic acid 881 with glutamine.
Molecular consequence: missense variant.
Genome position (GRCh38, 1-based): chr4:15,557,319, G>C. VCF-style: chr4-15557319-G-C. GRCh37 (hg19) VCF-style: chr4-15558942-G-C.
Other names: c.2641G>C, p.Glu881Gln (NM_001080522.2); c.2494G>C, p.Glu832Gln (NM_001378617.1); short protein forms E832Q, E881Q.
Identifiers: ClinVar variation 1484190 (VCV001484190.6), dbSNP rs760405029, ClinGen allele CA2863988.
Genomic context (GRCh38, chr4:15,557,319, plus strand): 5'-AGATCTGACTGTCATCTGGAGTTTTGCATTTTCCGTTTTTTATAGGTTGCTACCAGTGGT[G>C]AATCCTATGTCCCTGATTTCTTTAGACTGGAGCAGCTGCAACAGGAGTTTAACTTTGTTT-3'
Protein context (NP_001365544.1, residues 871-891): MQLISVATSG[Glu881Gln]SYVPDFFRLE

ClinVar aggregate classification (germline): Uncertain significance. Review status: criteria provided, multiple submitters, no conflicts (2 of 4 stars). 2 submissions from 2 submitters: Uncertain significance (2). Last evaluated 2024-05-26.

Conditions:
Inborn genetic diseases. Identifiers: MedGen C0950123, MeSH D030342.
Joubert syndrome. Also called: JOUBERT-BOLTSHAUSER SYNDROME; Familial aplasia of the vermis. Identifiers: Orphanet 475, MedGen C5979921, MONDO:0018772.
Meckel-Gruber syndrome. Also called: DYSENCEPHALIA SPLANCHNOCYSTICA; GRUBER SYNDROME; Dysencephalia splachnocystica. Identifiers: Orphanet 564, MedGen C0265215, MONDO:0018921.

Allele frequency attached by ClinVar (database versions not stated): gnomAD exomes 0.00001 and 0.00002; ExAC 0.00002.
gnomAD v4.1: 4 of 1,611,348 alleles (0.00025%); highest among the groups gnomAD compares: East Asian, 0.0089%; no homozygotes.

Submissions (2):

Ambry Genetics
Classification: Uncertain significance for Inborn genetic diseases. Last evaluated: 2024-05-26. Review status: criteria provided, single submitter. Criteria: Ambry Variant Classification Scheme 2023. Collection method: clinical testing. Allele origin: germline.

Labcorp Genetics (formerly Invitae), Labcorp
Classification: Uncertain significance for Joubert syndrome; Meckel-Gruber syndrome. Last evaluated: 2022-01-06. Review status: criteria provided, single submitter. Criteria: Invitae Variant Classification Sherloc (09022015). Collection method: clinical testing. Allele origin: germline.
Comment: This sequence change replaces glutamic acid, which is acidic and polar, with glutamine, which is neutral and polar, at codon 881 of the CC2D2A protein (p.Glu881Gln). This variant is present in population databases (rs760405029, gnomAD 0.02%). This variant has not been reported in the literature in individuals affected with CC2D2A-related conditions. Algorithms developed to predict the effect of missense changes on protein structure and function are either unavailable or do not agree on the potential impact of this missense change (SIFT: "Deleterious"; PolyPhen-2: "Probably Damaging"; Align-GVGD: "Class C0"). In summary, the available evidence is currently insufficient to determine the role of this variant in disease. Therefore, it has been classified as a Variant of Uncertain Significance.